The following is an entry in ClinVar:

NC_000005.10:g.112707424G>C

Gene: APC (APC regulator of Wnt signaling pathway; plus strand). Cytogenetic location: 5q22.2.
Variant type: single nucleotide variant.
Genome position: GRCh38 VCF-style: chr5-112707424-G-C. GRCh37 (hg19) VCF-style: chr5-112043121-G-C.
Identifiers: ClinVar variation 1011198 (VCV001011198.48), dbSNP rs1185261719, ClinGen allele CA1573442284.

ClinVar aggregate classification (germline): Uncertain significance (1 of 4 stars; one submission).

Conditions:
Familial adenomatous polyposis 1 (FAP1). Also called: FAMILIAL ADENOMATOUS POLYPOSIS 1, ATTENUATED; POLYPOSIS, ADENOMATOUS INTESTINAL. Identifiers: MedGen C2713442, MONDO:0021056, OMIM 175100. Disease mechanism: loss of function.

Submission:

Labcorp Genetics (formerly Invitae), Labcorp
Classification: Uncertain significance for Familial adenomatous polyposis 1. Last evaluated: 2024-04-24. Review status: criteria provided, single submitter. Criteria: Invitae Variant Classification Sherloc (09022015). Collection method: clinical testing. Allele origin: germline.
Comment: This variant occurs in a non-coding region of the APC gene. It does not change the encoded amino acid sequence of the APC protein. This variant is not present in population databases (gnomAD no frequency). This variant has not been reported in the literature in individuals affected with APC-related conditions. Experimental studies and prediction algorithms are not available or were not evaluated, and the functional significance of this variant is currently unknown. In summary, the available evidence is currently insufficient to determine the role of this variant in disease. Therefore, it has been classified as a Variant of Uncertain Significance.